The following is an entry in ClinVar:

NM_030662.4(MAP2K2):c.208G>A (p.Asp70Asn)

Gene: MAP2K2 (mitogen-activated protein kinase kinase 2; minus strand). Cytogenetic location: 19p13.3.
Variant type: single nucleotide variant.
Coding change: c.208G>A on transcript NM_030662.4 (MANE Select); coding-DNA position 208, G replaced by A.
Protein change: p.Asp70Asn; replaces aspartic acid 70 with asparagine.
Molecular consequence: missense variant.
Genome position (GRCh38, 1-based): chr19:4,117,514, C>T on the plus strand (G>A on the coding strand, the complement: MAP2K2 is on the minus strand). VCF-style: chr19-4117514-C-T. GRCh37 (hg19) VCF-style: chr19-4117512-C-T.
Other names: short protein forms D70N.
Identifiers: ClinVar variation 2503830 (VCV002503830.4), dbSNP rs1457644550, ClinGen allele CA403392602.
Genomic context (GRCh38, chr19:4,117,514, plus strand): 5'-GGACTTTGGTGACCACCCCGCCGTTGCCCGCGCCCAGCTCTGAGATCCTTTCGAAGTCAT[C>T]GTCTTTGAGTTCGCCGACCTTGGCTTTCTGGGTGAGAAAGGCTTCCAGCCGCTTCTTCTG-3'
Protein context (NP_109587.1, residues 60-80): QKAKVGELKD[Asp70Asn]DFERISELGA

ClinVar aggregate classification (germline): Uncertain significance. Review status: criteria provided, multiple submitters, no conflicts (2 of 4 stars). 2 submissions from 2 submitters: Uncertain significance (2). Last evaluated 2024-07-20.

Conditions:
RASopathy. Also called: rasopathies; Noonan spectrum disorder. Identifiers: Orphanet 536391, MedGen C5555857, MONDO:0021060.

Allele frequency attached by ClinVar (database versions not stated): TOPMed 0.00001.
gnomAD v4.1: 3 of 1,614,200 alleles (0.00019%); highest among the groups gnomAD compares: South Asian, 0.0011%; no homozygotes.

Submissions (2):

Labcorp Genetics (formerly Invitae), Labcorp
Classification: Uncertain significance for RASopathy. Last evaluated: 2024-07-20. Review status: criteria provided, single submitter. Criteria: Invitae Variant Classification Sherloc (09022015). Collection method: clinical testing. Allele origin: germline.
Comment: This sequence change replaces aspartic acid, which is acidic and polar, with asparagine, which is neutral and polar, at codon 70 of the MAP2K2 protein (p.Asp70Asn). This variant is present in population databases (no rsID available, gnomAD 0.006%). This variant has not been reported in the literature in individuals affected with MAP2K2-related conditions. ClinVar contains an entry for this variant (Variation ID: 2503830). Advanced modeling of protein sequence and biophysical properties (such as structural, functional, and spatial information, amino acid conservation, physicochemical variation, residue mobility, and thermodynamic stability) has been performed at Invitae for this missense variant, however the output from this modeling did not meet the statistical confidence thresholds required to predict the impact of this variant on MAP2K2 protein function. In summary, the available evidence is currently insufficient to determine the role of this variant in disease. Therefore, it has been classified as a Variant of Uncertain Significance.

Women's Health and Genetics/Laboratory Corporation of America, LabCorp
Classification: Uncertain significance. Last evaluated: 2023-04-16. Review status: criteria provided, single submitter. Criteria: LabCorp Variant Classification Summary - May 2015. Collection method: clinical testing. Allele origin: germline.